The following is an entry in ClinVar:

NM_000143.4(FH):c.203A>G (p.Tyr68Cys)

Gene: FH (fumarate hydratase; minus strand). Cytogenetic location: 1q43.
Variant type: single nucleotide variant.
Coding change: c.203A>G on transcript NM_000143.4 (MANE Select); coding-DNA position 203, A replaced by G.
Protein change: p.Tyr68Cys; replaces tyrosine 68 with cysteine.
Molecular consequence: missense variant.
Genome position (GRCh38, 1-based): chr1:241,517,246, T>C on the plus strand (A>G on the coding strand, the complement: FH is on the minus strand). VCF-style: chr1-241517246-T-C. GRCh37 (hg19) VCF-style: chr1-241680546-T-C.
Other names: short protein forms Y68C.
Identifiers: ClinVar variation 1061208 (VCV001061208.18), dbSNP rs1472397242, ClinGen allele CA345441840.

ClinVar aggregate classification (germline): Conflicting classifications of pathogenicity. Review status: criteria provided, conflicting classifications (1 of 4 stars). 5 submissions from 5 submitters: Likely pathogenic (1); Uncertain significance (3). 1 of the submissions does not count toward it. Last evaluated 2025-12-22.

Conditions:
FH-related disorder. Also called: FH-related disorders; FH-related condition.
Hereditary cancer-predisposing syndrome. Also called: Tumor predisposition; Hereditary neoplastic syndrome; Neoplastic Syndromes, Hereditary; Hereditary Cancer Syndrome. Identifiers: Orphanet 140162, MedGen C0027672, MeSH D009386, MONDO:0015356.
Fumarase deficiency (FMRD). Also called: Fumarate Hydratase Deficiency; Fumaric aciduria. Identifiers: Orphanet 24, MedGen C0342770, MONDO:0011730, OMIM 606812.

Allele frequency attached by ClinVar (database versions not stated): gnomAD exomes 0.00001.
gnomAD v4.1: 9 of 1,614,174 alleles (0.00056%); highest among the groups gnomAD compares: South Asian, 0.0033%; no homozygotes.

Submissions (5):

PreventionGenetics, part of Exact Sciences
Classification: Uncertain significance for FH-related condition. Last evaluated: 2025-12-22. Review status: criteria provided, single submitter. Criteria: ACMG Guidelines, 2015. Collection method: clinical testing. Allele origin: germline.
Comment: The FH c.203A>G variant is predicted to result in the amino acid substitution p.Tyr68Cys. To our knowledge, this variant has not been reported in the germline of individuals with FH-related disease. Functional studies of the C. elegans homolog (p.Tyr59Cys) demonstrate reduced viability and developmental delay indicating that disrupting this amino acid may impact normal FH protein function (Ferris et al. 2025. doi: 10.1016/j.gimo.2025.103469). This variant is reported in 0.0033% of alleles in individuals of South Asian descent in gnomAD. It has conflicting classifications in ClinVar ranging from uncertain to likely pathogenic (Variation ID: 1061208). At this time, the clinical significance of this variant is uncertain due to the absence of conclusive functional and genetic evidence.

GeneDx
Classification: Likely pathogenic. Last evaluated: 2025-07-10. Review status: criteria provided, single submitter. Criteria: GeneDx Variant Classification Process June 2021. Collection method: clinical testing. Allele origin: germline. Affected: yes.
Comment: Not observed at significant frequency in large population cohorts (gnomAD); In silico analysis supports that this missense variant has a deleterious effect on protein structure/function; Has not been previously published as pathogenic or benign to our knowledge; This variant is associated with the following publications: (PMID: 38721148)

Ambry Genetics
Classification: Uncertain significance for Hereditary cancer-predisposing syndrome. Last evaluated: 2025-02-08. Review status: criteria provided, single submitter. Criteria: Ambry Variant Classification Scheme 2023. Collection method: clinical testing. Allele origin: germline.
Comment: The p.Y68C variant (also known as c.203A>G), located in coding exon 2 of the FH gene, results from an A to G substitution at nucleotide position 203. The tyrosine at codon 68 is replaced by cysteine, an amino acid with highly dissimilar properties. This amino acid position is highly conserved in available vertebrate species. In addition, this alteration is predicted to be deleterious by in silico analysis. Since supporting evidence is limited at this time, the clinical significance of this alteration remains unclear.

Labcorp Genetics (formerly Invitae), Labcorp
Classification: Uncertain significance. Last evaluated: 2023-05-06. Review status: criteria provided, single submitter. Criteria: Invitae Variant Classification Sherloc (09022015). Collection method: clinical testing. Allele origin: germline.
Comment: In summary, the available evidence is currently insufficient to determine the role of this variant in disease. Therefore, it has been classified as a Variant of Uncertain Significance. Advanced modeling of protein sequence and biophysical properties (such as structural, functional, and spatial information, amino acid conservation, physicochemical variation, residue mobility, and thermodynamic stability) performed at Invitae indicates that this missense variant is expected to disrupt FH protein function. ClinVar contains an entry for this variant (Variation ID: 1061208). This variant has not been reported in the literature in individuals affected with FH-related conditions. This variant is present in population databases (no rsID available, gnomAD 0.003%). This sequence change replaces tyrosine, which is neutral and polar, with cysteine, which is neutral and slightly polar, at codon 68 of the FH protein (p.Tyr68Cys).

Natera, Inc.
Classification: Uncertain significance for Fumarase Deficiency. Last evaluated: 2021-04-06. Review status: no assertion criteria provided. Collection method: clinical testing. Allele origin: germline. Not counted in ClinVar's aggregate classification.